The following is an entry in ClinVar:

ClinVar aggregate classification (germline): Pathogenic. Review status: criteria provided, multiple submitters, no conflicts (2 of 4 stars). 4 submissions from 4 submitters: Pathogenic (2). 2 of the submissions do not count toward it. Last evaluated 2025-09-01.

Conditions:
PRPH2-related disorder. Also called: PRPH2-related disorders; PRPH2-related condition. Identifiers: MedGen CN239395.
Retinal dystrophy. Also called: Inherited retinal dystrophy. Identifiers: Orphanet 71862, MedGen C0854723, MeSH D058499, MONDO:0019118, HP:0000556.
Retinitis pigmentosa (RP). Identifiers: Orphanet 791, MedGen C0035334, MeSH D012174, MONDO:0019200, OMIM 268000. Inheritance: Autosomal dominant, autosomal recessive and X linked inheritance.

Submissions (4):

Labcorp Genetics (formerly Invitae), Labcorp
Classification: Pathogenic for PRPH2-related disorder. Last evaluated: 2025-09-01. Review status: criteria provided, single submitter. Criteria: Invitae Variant Classification Sherloc (09022015). Collection method: clinical testing. Allele origin: germline.
Comment: This sequence change creates a premature translational stop signal (p.Gln226*) in the PRPH2 gene. It is expected to result in an absent or disrupted protein product. Loss-of-function variants in PRPH2 are known to be pathogenic (PMID: 8111389, 8485575, 8485576, 8675410, 16916875, 17504850, 22863181, 25675413, 26061163, 27365499, 29555955, 33546218). This variant is not present in population databases (gnomAD no frequency). This premature translational stop signal has been observed in individual(s) with retinitis pigmentosa (PMID: 30718709). ClinVar contains an entry for this variant (Variation ID: 636075). For these reasons, this variant has been classified as Pathogenic.

Institute of Human Genetics, Univ. Regensburg, Univ. Regensburg
Classification: Pathogenic for Retinal dystrophy. Last evaluated: 2017-01-01. Review status: criteria provided, single submitter. Criteria: ACMG Guidelines, 2015. Collection method: clinical testing. Allele origin: germline. Affected: yes.

Leiden Open Variation Database
Classification: Pathogenic. Last evaluated: 2021-04-06. Review status: no assertion criteria provided. Collection method: curation. Allele origin: germline. Affected: yes. Not counted in ClinVar's aggregate classification.
Comment: Curator: Global Variome, with Curator vacancy. Submitter to LOVD: Manon Peeters.

Department of Clinical Genetics, Copenhagen University Hospital, Rigshospitalet
Classification: Likely pathogenic for Retinitis pigmentosa. Last evaluated: 2018-04-01. Review status: no assertion criteria provided. Collection method: research. Allele origin: unknown. Affected: yes. Study: VeluxRD. Not counted in ClinVar's aggregate classification.

Literature cited by the submitters: PubMed 8111389 (cited by Labcorp Genetics (formerly Invitae), Labcorp); PubMed 8485575 (cited by Labcorp Genetics (formerly Invitae), Labcorp); PubMed 8485576 (cited by Labcorp Genetics (formerly Invitae), Labcorp); PubMed 8675410 (cited by Labcorp Genetics (formerly Invitae), Labcorp); PubMed 16916875 (cited by Labcorp Genetics (formerly Invitae), Labcorp); PubMed 17504850 (cited by Labcorp Genetics (formerly Invitae), Labcorp); PubMed 22863181 (cited by Labcorp Genetics (formerly Invitae), Labcorp); PubMed 25675413 (cited by Labcorp Genetics (formerly Invitae), Labcorp); PubMed 26061163 (cited by Labcorp Genetics (formerly Invitae), Labcorp); PubMed 27365499 (cited by Labcorp Genetics (formerly Invitae), Labcorp); PubMed 29555955 (cited by Labcorp Genetics (formerly Invitae), Labcorp); PubMed 33546218 (cited by Labcorp Genetics (formerly Invitae), Labcorp); PubMed 30718709 (cited by 4 submitters); PubMed 3441139 (cited by Institute of Human Genetics, Univ. Regensburg, Univ. Regensburg).

NM_000322.5(PRPH2):c.676C>T (p.Gln226Ter)

Gene: PRPH2 (peripherin 2; minus strand). Cytogenetic location: 6p21.1.
Variant type: single nucleotide variant.
Coding change: c.676C>T on transcript NM_000322.5 (MANE Select); coding-DNA position 676, C replaced by T.
Protein change: p.Gln226Ter; replaces glutamine 226 with a stop codon.
Molecular consequence: nonsense.
Genome position (GRCh38, 1-based): chr6:42,704,517, G>A on the plus strand (C>T on the coding strand, the complement: PRPH2 is on the minus strand). VCF-style: chr6-42704517-G-A. GRCh37 (hg19) VCF-style: chr6-42672255-G-A.
Other names: short protein forms Q226*.
Identifiers: ClinVar variation 636075 (VCV000636075.5), dbSNP rs61755811, ClinGen allele CA364135378.